The following is an entry in ClinVar:

NM_032447.5(FBN3):c.7159C>T (p.Arg2387Cys)

Gene: FBN3 (fibrillin 3; minus strand). Cytogenetic location: 19p13.2.
Variant type: single nucleotide variant.
Coding change: c.7159C>T on transcript NM_032447.5 (MANE Select); coding-DNA position 7159, C replaced by T.
Protein change: p.Arg2387Cys; replaces arginine 2387 with cysteine.
Molecular consequence: missense variant.
Genome position (GRCh38, 1-based): chr19:8,083,301, G>A on the plus strand (C>T on the coding strand, the complement: FBN3 is on the minus strand). VCF-style: chr19-8083301-G-A. GRCh37 (hg19) VCF-style: chr19-8148185-G-A.
Other names: c.7159C>T, p.Arg2387Cys (NM_001321431.2); short protein forms R2387C.
Identifiers: ClinVar variation 3619835 (VCV003619835.2).
Genomic context (GRCh38, chr19:8,083,301, plus strand): 5'-GCTCACCCAGGCAGGTAGTAGCAGTAGCATCCGGTGTGTACCCGGCCTGACAGTGGCAGC[G>A]GAAGGAGCCAAGGCTGTTGATGCACTCCCCATGAGCACACAGGTGAGCAAGCATACGGCA-3'
Protein context (NP_115823.3, residues 2377-2397): GECINSLGSF[Arg2387Cys]CHCQAGYTPD

ClinVar aggregate classification (germline): Uncertain significance (1 of 4 stars; one submission).

gnomAD v4.1: 16 of 1,614,018 alleles (0.00099%); highest among the groups gnomAD compares: South Asian, 0.0055%; no homozygotes.

Submission:

Labcorp Genetics (formerly Invitae), Labcorp
Classification: Uncertain significance. Last evaluated: 2026-01-23. Review status: criteria provided, single submitter. Criteria: Invitae Variant Classification Sherloc (09022015). Collection method: clinical testing. Allele origin: germline.
Comment: This sequence change replaces arginine, which is basic and polar, with cysteine, which is neutral and slightly polar, at codon 2387 of the FBN3 protein (p.Arg2387Cys). This variant is present in population databases (rs762044861, gnomAD 0.006%). This variant has not been reported in the literature in individuals affected with FBN3-related conditions. ClinVar contains an entry for this variant (Variation ID: 3619835). Invitae Evidence Modeling of protein sequence and biophysical properties (such as structural, functional, and spatial information, amino acid conservation, physicochemical variation, residue mobility, and thermodynamic stability) indicates that this missense variant is not expected to disrupt FBN3 protein function with a negative predictive value of 80%. In summary, the available evidence is currently insufficient to determine the role of this variant in disease. Therefore, it has been classified as a Variant of Uncertain Significance.